The following is an entry in ClinVar:

NM_000138.5(FBN1):c.165A>G (p.Gly55=)

Gene: FBN1 (fibrillin 1; minus strand). Cytogenetic location: 15q21.1.
Variant type: single nucleotide variant.
Coding change: c.165A>G on transcript NM_000138.5 (MANE Select); coding-DNA position 165, A replaced by G.
Protein change: p.Gly55=; no amino-acid change (glycine 55 retained).
Molecular consequence: synonymous variant.
Genome position (GRCh38, 1-based): chr15:48,613,092, T>C on the plus strand (A>G on the coding strand, the complement: FBN1 is on the minus strand). VCF-style: chr15-48613092-T-C. GRCh37 (hg19) VCF-style: chr15-48905289-T-C.
Other names: c.165A>G, p.Gly55= (NM_001406716.1, NM_001406717.1).
Identifiers: ClinVar variation 4786130 (VCV004786130.1).

ClinVar aggregate classification (germline): Uncertain significance (1 of 4 stars; one submission).

Conditions:
Marfan syndrome (MFS). Also called: FBN1-Related Marfan Syndrome; MARFAN SYNDROME, TYPE I; Marfan syndrome type 1; Marfan's syndrome; Marfan syndrome, classic. Identifiers: Orphanet 284963, Orphanet 558, MedGen C0024796, MONDO:0007947, OMIM 154700.
Familial thoracic aortic aneurysm and aortic dissection (TAAD). Also called: Thoracic aortic aneurysms and dissections. Identifiers: Orphanet 91387, MedGen C4707243, MONDO:0019625.

gnomAD v4.1: 3 of 1,610,694 alleles (0.00019%); highest among the groups gnomAD compares: South Asian, 0.0011%; no homozygotes.

Submission:

Labcorp Genetics (formerly Invitae), Labcorp
Classification: Uncertain significance for Marfan syndrome; Familial thoracic aortic aneurysm and aortic dissection. Last evaluated: 2025-09-17. Review status: criteria provided, single submitter. Criteria: Invitae Variant Classification Sherloc (09022015). Collection method: clinical testing. Allele origin: germline.
Comment: This sequence change affects codon 55 of the FBN1 mRNA. It is a 'silent' change, meaning that it does not change the encoded amino acid sequence of the FBN1 protein. It affects a nucleotide within the consensus splice site. This variant is present in population databases (rs764533471, gnomAD 0.003%). This variant has not been reported in the literature in individuals affected with FBN1-related conditions. Algorithms developed to predict the effect of sequence changes on RNA splicing suggest that this variant is not likely to affect RNA splicing. In summary, the available evidence is currently insufficient to determine the role of this variant in disease. Therefore, it has been classified as a Variant of Uncertain Significance.